The following is an entry in ClinVar:

NM_002203.4(ITGA2):c.3368A>C (p.Lys1123Thr)

Gene: ITGA2 (integrin subunit alpha 2; plus strand). Cytogenetic location: 5q11.2.
Variant type: single nucleotide variant.
Coding change: c.3368A>C on transcript NM_002203.4 (MANE Select); coding-DNA position 3368, A replaced by C.
Protein change: p.Lys1123Thr; replaces lysine 1123 with threonine.
Molecular consequence: missense variant. On other transcripts: non-coding transcript variant (5).
Genome position (GRCh38, 1-based): chr5:53,089,965, A>C. VCF-style: chr5-53089965-A-C. GRCh37 (hg19) VCF-style: chr5-52385795-A-C.
Other names: short protein forms K1123T.
Identifiers: ClinVar variation 2635271 (VCV002635271.1), dbSNP rs1313396530, ClinGen allele CA359692112.

ClinVar aggregate classification (germline): Uncertain significance (1 of 4 stars; one submission).

Conditions:
ITGA2-related disorder. Also called: ITGA2-related condition.

Submission:

PreventionGenetics, part of Exact Sciences
Classification: Uncertain significance for ITGA2-related condition. Last evaluated: 2022-11-21. Review status: criteria provided, single submitter. Criteria: ACMG Guidelines, 2015. Collection method: clinical testing. Allele origin: germline.
Comment: The ITGA2 c.3368A>C variant is predicted to result in the amino acid substitution p.Lys1123Thr. To our knowledge, this variant has not been reported in the literature or in a large population database, indicating this variant is rare. At this time, the clinical significance of this variant is uncertain due to the absence of conclusive functional and genetic evidence.